The following is an entry in ClinVar:

NM_198428.3(BBS9):c.2217G>T (p.Ala739=)

Gene: BBS9 (Bardet-Biedl syndrome 9; plus strand). Cytogenetic location: 7p14.3.
Variant type: single nucleotide variant.
Coding change: c.2217G>T on transcript NM_198428.3 (MANE Select); coding-DNA position 2217, G replaced by T.
Protein change: p.Ala739=; no amino-acid change (alanine 739 retained).
Molecular consequence: synonymous variant. On other transcripts: non-coding transcript variant (3), intron variant (1).
Genome position (GRCh38, 1-based): chr7:33,505,564, G>T. VCF-style: chr7-33505564-G-T. GRCh37 (hg19) VCF-style: chr7-33545176-G-T.
Other names: c.2112G>T, p.Ala704= (NM_001033604.2); c.2202G>T, p.Ala734= (NM_001033605.2); c.2217G>T, p.Ala739= (NM_001348036.1, NM_001348041.4, NM_001348043.3 and 1 more transcripts); c.1944G>T, p.Ala648= (NM_001348038.3); c.1839G>T, p.Ala613= (NM_001348039.3); c.2097G>T, p.Ala699= (NM_001348040.3, NM_014451.4); c.2082G>T, p.Ala694= (NM_001348042.3); c.1746G>T, p.Ala582= (NM_001348044.3); and 3 more.
Identifiers: ClinVar variation 1554420 (VCV001554420.10), dbSNP rs749322793, ClinGen allele CA4214630.
Genomic context (GRCh38, chr7:33,505,564, plus strand): 5'-TCTGTTCCAGTCATTCACCAGGCTGAAGAGTGCCACCCATTTGGTGATTCTGCTGATCGC[G>T]CTGTGGCAGAAGCTTAGTGCTGACCAGGTTGCTATTCTGGAAGCGGCATTTCTGCCGCTA-3'
Protein context (NP_940820.1, residues 729-749): SATHLVILLI[Ala739=]LWQKLSADQV

ClinVar aggregate classification (germline): Conflicting classifications of pathogenicity. Review status: criteria provided, conflicting classifications (1 of 4 stars). 3 submissions from 3 submitters: Uncertain significance (1); Likely benign (2). Last evaluated 2026-06-01.

Conditions:
BBS9-related disorder. Also called: BBS9-related condition.
Bardet-Biedl syndrome (BBS). Identifiers: Orphanet 110, MedGen C0752166, MONDO:0015229.
Bardet-Biedl syndrome 9 (BBS9). Identifiers: Orphanet 110, MedGen C1859567, MONDO:0014437, OMIM 615986.

gnomAD v4.1: 6 of 1,613,974 alleles (0.00037%); highest among the groups gnomAD compares: African/African-American, 0.004%; no homozygotes.

Submissions (3):

PreventionGenetics, part of Exact Sciences
Classification: Likely benign for BBS9-related condition. Last evaluated: 2026-06-01. Review status: criteria provided, single submitter. Criteria: ACMG Guidelines, 2015. Collection method: clinical testing. Allele origin: germline.
Comment: This variant is classified as likely benign based on ACMG/AMP sequence variant interpretation guidelines (Richards et al. 2015 PMID: 25741868, with internal and published modifications).

Fulgent Genetics
Classification: Uncertain significance for Bardet-Biedl syndrome 9. Last evaluated: 2024-01-04. Review status: criteria provided, single submitter. Criteria: ACMG Guidelines, 2015. Collection method: clinical testing. Allele origin: germline.

Labcorp Genetics (formerly Invitae), Labcorp
Classification: Likely benign for Bardet-Biedl syndrome. Last evaluated: 2023-08-25. Review status: criteria provided, single submitter. Criteria: Invitae Variant Classification Sherloc (09022015). Collection method: clinical testing. Allele origin: germline.